The following is an entry in ClinVar:

NM_001034853.2(RPGR):c.1414+1G>C

Gene: RPGR (retinitis pigmentosa GTPase regulator; minus strand). Cytogenetic location: Xp11.4.
Variant type: single nucleotide variant.
Coding change: c.1414+1G>C on transcript NM_001034853.2 (MANE Select); the canonical splice donor site of the intron after coding-DNA position 1414, G replaced by C.
Molecular consequence: splice donor variant.
Genome position (GRCh38, 1-based): chrX:38,297,283, C>G on the plus strand (G>C on the coding strand, the complement: RPGR is on the minus strand). VCF-style: chrX-38297283-C-G. GRCh37 (hg19) VCF-style: chrX-38156536-C-G.
Other names: c.1411+1G>C (NM_001367249.1, NM_001367250.1, NM_001367245.1); c.1228+1G>C (NM_001367251.1, NM_001367246.1); c.1414+1G>C (NM_001367247.1, NM_000328.3); c.1444+1G>C (NM_001367248.1).
Identifiers: ClinVar variation 2105009 (VCV002105009.4), dbSNP rs2519822407, ClinGen allele CA412739326.

ClinVar aggregate classification (germline): Likely pathogenic (1 of 4 stars; one submission).

Conditions:
Primary ciliary dyskinesia. Also called: Ciliary dyskinesia. Identifiers: Orphanet 244, MedGen C0008780, MONDO:0016575, HP:0012265.

Submission:

Labcorp Genetics (formerly Invitae), Labcorp
Classification: Likely pathogenic for Primary ciliary dyskinesia. Last evaluated: 2022-04-07. Review status: criteria provided, single submitter. Criteria: Invitae Variant Classification Sherloc (09022015). Collection method: clinical testing. Allele origin: germline.
Comment: In summary, the currently available evidence indicates that the variant is pathogenic, but additional data are needed to prove that conclusively. Therefore, this variant has been classified as Likely Pathogenic. Algorithms developed to predict the effect of sequence changes on RNA splicing suggest that this variant may disrupt the consensus splice site. This variant has not been reported in the literature in individuals affected with RPGR-related conditions. This variant is not present in population databases (gnomAD no frequency). This sequence change affects a donor splice site in intron 11 of the RPGR gene. It is expected to disrupt RNA splicing. Variants that disrupt the donor or acceptor splice site typically lead to a loss of protein function (PMID: 16199547), and loss-of-function variants in RPGR are known to be pathogenic (PMID: 16055928, 16969763).

Literature cited by the submitters: PubMed 16199547; PubMed 16055928; PubMed 16969763.